The following is an entry in ClinVar:

ClinVar aggregate classification (germline): Uncertain significance (1 of 4 stars; one submission).

Conditions:
Cardiovascular phenotype. Identifiers: MedGen CN230736.

gnomAD v4.1: 3 of 1,613,534 alleles (0.00019%); highest among the groups gnomAD compares: South Asian, 0.0011%; no homozygotes.

Submission:

Ambry Genetics
Classification: Uncertain significance for Cardiovascular phenotype. Last evaluated: 2025-04-16. Review status: criteria provided, single submitter. Criteria: Ambry Variant Classification Scheme 2023. Collection method: clinical testing. Allele origin: germline.
Comment: The p.R599H variant (also known as c.1796G>A), located in coding exon 16 of the PRDM5 gene, results from a G to A substitution at nucleotide position 1796. The arginine at codon 599 is replaced by histidine, an amino acid with highly similar properties. This amino acid position is highly conserved in available vertebrate species. In addition, the in silico prediction for this alteration is inconclusive. Based on the available evidence, the clinical significance of this variant remains unclear.

NM_018699.4(PRDM5):c.1796G>A (p.Arg599His)

Gene: PRDM5 (PR/SET domain 5; minus strand). Cytogenetic location: 4q27.
Variant type: single nucleotide variant.
Coding change: c.1796G>A on transcript NM_018699.4 (MANE Select); coding-DNA position 1796, G replaced by A.
Protein change: p.Arg599His; replaces arginine 599 with histidine.
Molecular consequence: missense variant. On other transcripts: 3 prime UTR variant (1).
Genome position (GRCh38, 1-based): chr4:120,695,208, C>T on the plus strand (G>A on the coding strand, the complement: PRDM5 is on the minus strand). VCF-style: chr4-120695208-C-T. GRCh37 (hg19) VCF-style: chr4-121616363-C-T.
Other names: c.1703G>A, p.Arg568His (NM_001300823.2); c.*111G>A (NM_001300824.2); c.1829G>A, p.Arg610His (NM_001379104.1); c.1598G>A, p.Arg533His (NM_001379106.1); short protein forms R533H, R568H, R599H, R610H.
Identifiers: ClinVar variation 3937784 (VCV003937784.1).